The following is an entry in ClinVar:

NM_015557.3(CHD5):c.4862G>A (p.Arg1621Gln)

Gene: CHD5 (chromodomain helicase DNA binding protein 5; minus strand). Cytogenetic location: 1p36.31.
Variant type: single nucleotide variant.
Coding change: c.4862G>A on transcript NM_015557.3 (MANE Select); coding-DNA position 4862, G replaced by A.
Protein change: p.Arg1621Gln; replaces arginine 1621 with glutamine.
Molecular consequence: missense variant.
Genome position (GRCh38, 1-based): chr1:6,121,155, C>T on the plus strand (G>A on the coding strand, the complement: CHD5 is on the minus strand). VCF-style: chr1-6121155-C-T. GRCh37 (hg19) VCF-style: chr1-6181215-C-T.
Other names: short protein forms R1621Q.
Identifiers: ClinVar variation 728919 (VCV000728919.8), dbSNP rs147417867, ClinGen allele CA556020.

ClinVar aggregate classification (germline): Likely benign. Review status: criteria provided, multiple submitters, no conflicts (2 of 4 stars). 3 submissions from 3 submitters: Likely benign (2). 1 of the submissions does not count toward it. Last evaluated 2026-03-01.

Conditions:
CHD5-related disorder. Also called: CHD5-related condition.

Allele frequency attached by ClinVar (database versions not stated): gnomAD exomes 0.00052; ExAC 0.00056; 1000 Genomes Project 0.00100; 1000 Genomes Project 30x 0.00125; gnomAD 0.00183 and 0.00200; ESP Exome Variant Server 0.00215; TOPMed 0.00230.

Submissions (3):

CeGaT Center for Human Genetics Tuebingen
Classification: Likely benign. Last evaluated: 2026-03-01. Review status: criteria provided, single submitter. Criteria: CeGaT Center For Human Genetics Tuebingen Variant Classification Criteria Version 2. Collection method: clinical testing. Allele origin: germline. Affected: yes. Observed: 1 variant allele.
Comment: CHD5: BP4, BS1

Labcorp Genetics (formerly Invitae), Labcorp
Classification: Likely benign. Last evaluated: 2018-02-26. Review status: criteria provided, single submitter. Criteria: Invitae Variant Classification Sherloc (09022015). Collection method: clinical testing. Allele origin: germline.

PreventionGenetics, part of Exact Sciences
Classification: Benign for CHD5-related condition. Last evaluated: 2024-04-02. Review status: no assertion criteria provided. Collection method: clinical testing. Allele origin: germline. Not counted in ClinVar's aggregate classification.
Comment: This variant is classified as benign based on ACMG/AMP sequence variant interpretation guidelines (Richards et al. 2015 PMID: 25741868, with internal and published modifications).